The following is an entry in ClinVar:

ClinVar aggregate classification (germline): Pathogenic (1 of 4 stars; one submission).

Submission:

Labcorp Genetics (formerly Invitae), Labcorp
Classification: Pathogenic. Last evaluated: 2023-02-16. Review status: criteria provided, single submitter. Criteria: Invitae Variant Classification Sherloc (09022015). Collection method: clinical testing. Allele origin: germline.
Comment: This sequence change creates a premature translational stop signal (p.Val38Cysfs*28) in the WISP3 gene. It is expected to result in an absent or disrupted protein product. Loss-of-function variants in WISP3 are known to be pathogenic (PMID: 22791401). This variant is not present in population databases (gnomAD no frequency). This variant has not been reported in the literature in individuals affected with WISP3-related conditions. For these reasons, this variant has been classified as Pathogenic.

Literature cited by the submitters: PubMed 22791401.

NM_198239.2(CCN6):c.111del (p.Val38fs)

Gene: CCN6 (cellular communication network factor 6; plus strand). Cytogenetic location: 6q21.
Variant type: Deletion.
Coding change: c.111del on transcript NM_198239.2 (MANE Select); coding-DNA position 111, one base deleted (A; older notation c.111delA).
Protein change: p.Val38fs; shifts the reading frame from valine 38.
Molecular consequence: frameshift variant. On other transcripts: non-coding transcript variant (2).
Genome position (GRCh38, 1-based): chr6:112,061,053, A deleted; the last of 2 consecutive A bases (chr6:112,061,052-112,061,053); deleting either gives the same sequence. VCF-style (leftmost placement, unchanged base first): chr6-112061051-GA-G. GRCh37 (hg19) VCF-style: chr6-112382254-GA-G.
Other names: c.111del, p.Val38fs (NM_003880.4); short protein forms V38fs.
Identifiers: ClinVar variation 2838170 (VCV002838170.3), dbSNP rs2546919756, ClinGen allele CA2739266048.
Genomic context (GRCh38, chr6:112,061,051, plus strand): 5'-TTCTGCTGCAGGGTACAGGGCACTGGACCATTAGATACAACACCTGAAGGAAGGCCTGGA[GA>G]AGTGTCAGATGCACCTCAGCGTAAACAGTTTTGTCACTGGCCCTGCAAATGCCCTCAGCA-3'